The following is an entry in ClinVar:

NM_058246.4(DNAJB6):c.899-118T>C

Gene: DNAJB6 (DnaJ heat shock protein family (Hsp40) member B6; plus strand). Cytogenetic location: 7q36.3.
Variant type: single nucleotide variant.
Coding change: c.899-118T>C on transcript NM_058246.4 (MANE Select); 118 bases into the intron before coding-DNA position 899, T replaced by C.
Molecular consequence: intron variant.
Genome position (GRCh38, 1-based): chr7:157,415,898, T>C. VCF-style: chr7-157415898-T-C. GRCh37 (hg19) VCF-style: chr7-157208592-T-C.
Other names: c.554-118T>C (NM_001363676.1).
Identifiers: ClinVar variation 679308 (VCV000679308.2), dbSNP rs7786449, ClinGen allele CA12691956.

ClinVar aggregate classification (germline): Benign. Review status: criteria provided, multiple submitters, no conflicts (2 of 4 stars). 2 submissions from 2 submitters: Benign (2). Last evaluated 2018-06-18.

Allele frequency attached by ClinVar (database versions not stated): gnomAD exomes 0.00479; gnomAD 0.04919 and 0.05281; 1000 Genomes Project 0.04952; 1000 Genomes Project 30x 0.05200; TOPMed 0.05517.
gnomAD v4.1: 14,586 of 1,572,816 alleles (0.93%); highest among the groups gnomAD compares: African/African-American, 17%; 1,115 homozygotes.

Submissions (2):

GeneDx
Classification: Benign. Last evaluated: 2018-06-18. Review status: criteria provided, single submitter. Criteria: GeneDx Variant Classification (06012015). Collection method: clinical testing. Allele origin: germline. Affected: yes.
Comment: This variant is considered likely benign or benign based on one or more of the following criteria: it is a conservative change, it occurs at a poorly conserved position in the protein, it is predicted to be benign by multiple in silico algorithms, and/or has population frequency not consistent with disease.

Breakthrough Genomics
Classification: Benign. Review status: criteria provided, single submitter. Criteria: ACMG Guidelines, 2015. Collection method: not provided. Allele origin: germline. Inheritance: Autosomal dominant inheritance. Affected: yes.